The following is an entry in ClinVar:

ClinVar aggregate classification (germline): Benign/Likely benign (0 of 4 stars; one submission).

Submission:

ISCA site 4
Classification: Benign/Likely benign. Last evaluated: 2012-09-21. Review status: no assertion criteria provided. Collection method: clinical testing. Allele origin: unknown. Affected: yes. Observed: 5 variant alleles. Clinical features observed: Seizure (HP:0001250), Developmental delay AND/OR other significant developmental or morphological phenotypes, Micrognathia (HP:0000347), Global developmental delay (HP:0001263), Muscular hypotonia (HP:0001252), Cleft palate (HP:0000175), Abnormal facial shape (HP:0002260).
Comment: Likely benign (2), Benign (3)

Copy number variation identified through the course of routine clinical cytogenomic testing in postnatal populations, with clinical assertions as classified by the original submitter.

GRCh38/hg38 2q13(chr2:110104897-110207198)x1

Genes: MALL (mal, T cell differentiation protein like; minus strand), NPHP1 (nephrocystin 1; minus strand), LOC126806305 (BRD4-independent group 4 enhancer GRCh37_chr2:110863055-110864254; plus strand), LOC126806306 (P300/CBP strongly-dependent group 1 enhancer GRCh37_chr2:110906815-110908014; plus strand). Cytogenetic location: 2q13.
Variant type: copy number loss.
Change: copy number 1 (one copy instead of two) of chr2:110,104,897-110,207,198 (102.3 kb, GRCh38 coordinates, 1-based), cytogenetic band 2q13.
Identifiers: ClinVar variation 144559 (VCV000144559.2).